The following is an entry in ClinVar:

NM_001615.4(ACTG2):c.1068G>T (p.Met356Ile)

Gene: ACTG2 (actin gamma 2, smooth muscle; plus strand). Cytogenetic location: 2p13.1.
Variant type: single nucleotide variant.
Coding change: c.1068G>T on transcript NM_001615.4 (MANE Select); coding-DNA position 1068, G replaced by T.
Protein change: p.Met356Ile; replaces methionine 356 with isoleucine.
Molecular consequence: missense variant.
Genome position (GRCh38, 1-based): chr2:73,919,512, G>T. VCF-style: chr2-73919512-G-T. GRCh37 (hg19) VCF-style: chr2-74146639-G-T.
Other names: c.939G>T, p.Met313Ile (NM_001199893.2); short protein forms M313I, M356I.
Identifiers: ClinVar variation 2580447 (VCV002580447.2), dbSNP rs2466922204, ClinGen allele CA347295677.

ClinVar aggregate classification (germline): Uncertain significance (1 of 4 stars; one submission).

Submission:

GeneDx
Classification: Uncertain significance. Last evaluated: 2024-05-02. Review status: criteria provided, single submitter. Criteria: GeneDx Variant Classification Process June 2021. Collection method: clinical testing. Allele origin: germline.
Comment: Not observed at significant frequency in large population cohorts (gnomAD); In silico analysis indicates that this missense variant does not alter protein structure/function; Has not been previously published as pathogenic or benign to our knowledge